The following is an entry in ClinVar:

NM_001363711.2(DUOX2):c.1554G>A (p.Trp518Ter)

Gene: DUOX2 (dual oxidase 2; minus strand). Cytogenetic location: 15q21.1.
Variant type: single nucleotide variant.
Coding change: c.1554G>A on transcript NM_001363711.2 (MANE Select); coding-DNA position 1554, G replaced by A.
Protein change: p.Trp518Ter; replaces tryptophan 518 with a stop codon.
Molecular consequence: nonsense.
Genome position (GRCh38, 1-based): chr15:45,108,067, C>T on the plus strand (G>A on the coding strand, the complement: DUOX2 is on the minus strand). VCF-style: chr15-45108067-C-T. GRCh37 (hg19) VCF-style: chr15-45400265-C-T.
Other names: c.1554G>A, p.Trp518Ter (NM_014080.5); short protein forms W518*.
Identifiers: ClinVar variation 2119413 (VCV002119413.4), dbSNP rs2504772664, ClinGen allele CA392276287.
Genomic context (GRCh38, chr15:45,108,067, plus strand): 5'-CTGAGGAGCAGTCTGAGGTGGGGGCCCAGGCAAGCCTTACCCATTCCTGGTGTTCTCAAA[C>T]CAGTAGCGGTCACCATCCCGCAGCCGTACAAACTGGTCGAGGACAATGGCACTGAACAGG-3'

ClinVar aggregate classification (germline): Pathogenic (1 of 4 stars; one submission).

Allele frequency attached by ClinVar (database versions not stated): gnomAD exomes 0.00001.

Submission:

Labcorp Genetics (formerly Invitae), Labcorp
Classification: Pathogenic. Last evaluated: 2022-03-29. Review status: criteria provided, single submitter. Criteria: Invitae Variant Classification Sherloc (09022015). Collection method: clinical testing. Allele origin: germline.
Comment: This sequence change creates a premature translational stop signal (p.Trp518*) in the DUOX2 gene. It is expected to result in an absent or disrupted protein product. Loss-of-function variants in DUOX2 are known to be pathogenic (PMID: 12110737, 18765513, 21565790, 24423310, 24735383). This variant is not present in population databases (gnomAD no frequency). This variant has not been reported in the literature in individuals affected with DUOX2-related conditions. For these reasons, this variant has been classified as Pathogenic.

Literature cited by the submitters: PubMed 12110737; PubMed 18765513; PubMed 21565790; PubMed 24423310; PubMed 24735383.